The following is an entry in ClinVar:

NM_013275.6(ANKRD11):c.3342C>A (p.Tyr1114Ter)

Gene: ANKRD11 (ankyrin repeat domain 11; minus strand). Cytogenetic location: 16q24.3.
Variant type: single nucleotide variant.
Coding change: c.3342C>A on transcript NM_013275.6 (MANE Select); coding-DNA position 3342, C replaced by A.
Protein change: p.Tyr1114Ter; replaces tyrosine 1114 with a stop codon.
Molecular consequence: nonsense.
Genome position (GRCh38, 1-based): chr16:89,283,200, G>T on the plus strand (C>A on the coding strand, the complement: ANKRD11 is on the minus strand). VCF-style: chr16-89283200-G-T. GRCh37 (hg19) VCF-style: chr16-89349608-G-T.
Other names: c.3342C>A, p.Tyr1114Ter (NM_001256182.2, NM_001256183.2); short protein forms Y1114*.
Identifiers: ClinVar variation 3894527 (VCV003894527.1).
Genomic context (GRCh38, chr16:89,283,200, plus strand): 5'-CCCGCTCCCCATGCAGCTGTCTCTGTCGTCCTCACTCTCATCTGTGAAGATGTCTGCGAT[G>T]TACCAGCTTTTCTCTTTGCCTTTCTTGTCATCTTTTTTTTCAGAGAAGTCTTCTGAGATG-3'

ClinVar aggregate classification (germline): Pathogenic (1 of 4 stars; one submission).

Conditions:
KBG syndrome (KBGS). Also called: ANKRD11-Related KBG Syndrome. Identifiers: Orphanet 2332, MedGen C0220687, MONDO:0007846, OMIM 148050.

Submission:

Institute of Human Genetics, Clinical Exome/Genome Diagnostics Group, University Hospital Bonn
Classification: Pathogenic for KBG syndrome. Last evaluated: 2025-01-14. Review status: criteria provided, single submitter. Criteria: ACMG Guidelines, 2015. Collection method: clinical testing. Allele origin: de novo. Inheritance: Autosomal dominant inheritance. Affected: yes. Observed: 1 heterozygote.
Comment: PVS1, PS2, PM2_supporting